The following is an entry in ClinVar:

ClinVar aggregate classification (germline): Uncertain significance (1 of 4 stars; one submission).

Conditions:
Cohen syndrome (COH1). Also called: Cutis verticis gyrata, retinitis pigmentosa, and sensorineural deafness; PEPPER SYNDROME. Identifiers: Orphanet 193, MedGen C0265223, MONDO:0008999, OMIM 216550.

Submission:

Labcorp Genetics (formerly Invitae), Labcorp
Classification: Uncertain significance for Cohen syndrome. Last evaluated: 2019-09-30. Review status: criteria provided, single submitter. Criteria: Invitae Variant Classification Sherloc (09022015). Collection method: clinical testing. Allele origin: germline.
Comment: In summary, the available evidence is currently insufficient to determine the role of this variant in disease. Therefore, it has been classified as a Variant of Uncertain Significance. Nucleotide substitutions within the consensus splice site are a relatively common cause of aberrant splicing (PMID: 17576681, 9536098). Algorithms developed to predict the effect of sequence changes on RNA splicing suggest that this variant may disrupt the consensus splice site, but this prediction has not been confirmed by published transcriptional studies. Algorithms developed to predict the effect of missense changes on protein structure and function (SIFT, PolyPhen-2, Align-GVGD) all suggest that this variant is likely to be tolerated, but these predictions have not been confirmed by published functional studies and their clinical significance is uncertain. This variant has not been reported in the literature in individuals with VPS13B-related conditions. This variant is not present in population databases (ExAC no frequency). This sequence change replaces aspartic acid with tyrosine at codon 615 of the VPS13B protein (p.Asp615Tyr). The aspartic acid residue is weakly conserved and there is a large physicochemical difference between aspartic acid and tyrosine. This variant also falls at the last nucleotide of exon 13 of the VPS13B coding sequence, which is part of the consensus splice site for this exon.

Literature cited by the submitters: PubMed 17576681; PubMed 9536098.

NM_152564.5(VPS13B):c.1843G>T (p.Asp615Tyr)

Gene: VPS13B (vacuolar protein sorting 13 homolog B; plus strand). Cytogenetic location: 8q22.2.
Variant type: single nucleotide variant.
Coding change: c.1843G>T on transcript NM_152564.5 (MANE Select); coding-DNA position 1843, G replaced by T.
Protein change: p.Asp615Tyr; replaces aspartic acid 615 with tyrosine.
Molecular consequence: missense variant.
Genome position (GRCh38, 1-based): chr8:99,143,165, G>T. VCF-style: chr8-99143165-G-T. GRCh37 (hg19) VCF-style: chr8-100155393-G-T.
Other names: c.1843G>T, p.Asp615Tyr (NM_015243.3, NM_017890.5); short protein forms D615Y.
Identifiers: ClinVar variation 960233 (VCV000960233.8), dbSNP rs1810522684, ClinGen allele CA371864210.